The following is an entry in ClinVar:

NM_003849.4(SUCLG1):c.460C>T (p.Arg154Ter)

Gene: SUCLG1 (succinate-CoA ligase GDP/ADP-forming subunit alpha; minus strand). Cytogenetic location: 2p11.2.
Variant type: single nucleotide variant.
Coding change: c.460C>T on transcript NM_003849.4 (MANE Select); coding-DNA position 460, C replaced by T.
Protein change: p.Arg154Ter; replaces arginine 154 with a stop codon.
Molecular consequence: nonsense.
Genome position (GRCh38, 1-based): chr2:84,441,318, G>A on the plus strand (C>T on the coding strand, the complement: SUCLG1 is on the minus strand). VCF-style: chr2-84441318-G-A. GRCh37 (hg19) VCF-style: chr2-84668442-G-A.
Other names: short protein forms R154*.
Identifiers: ClinVar variation 1012244 (VCV001012244.8), dbSNP rs369153479, ClinGen allele CA1736307.
Genomic context (GRCh38, chr2:84,441,318, plus strand): 5'-CAGGGCAGTTGGGCCCAATTAGCCTTGTCTTTTCCTGGCGCAGCAGTTTGTGCTTGACTC[G>A]TACCATGTCCTGCTGGGGAATTCCTTCAGTGATACACACAACCAAGGGAATTTCTGCCTC-3'

ClinVar aggregate classification (germline): Pathogenic (1 of 4 stars; one submission).

Conditions:
Mitochondrial DNA depletion syndrome 9 (MTDPS9). Also called: SUCLG1-Related Mitochondrial DNA Depletion Syndrome, Encephalomyopathic Form with Methylmalonic Aciduria. Identifiers: Orphanet 17, MedGen C3151476, MONDO:0009504, OMIM 245400.

Allele frequency attached by ClinVar (database versions not stated): gnomAD exomes 0.00001; TOPMed 0.00001; ExAC 0.00002; ESP Exome Variant Server 0.00008.

Submission:

Labcorp Genetics (formerly Invitae), Labcorp
Classification: Pathogenic for Mitochondrial DNA depletion syndrome 9. Last evaluated: 2024-02-15. Review status: criteria provided, single submitter. Criteria: Invitae Variant Classification Sherloc (09022015). Collection method: clinical testing. Allele origin: germline.
Comment: This sequence change creates a premature translational stop signal (p.Arg154*) in the SUCLG1 gene. It is expected to result in an absent or disrupted protein product. Loss-of-function variants in SUCLG1 are known to be pathogenic (PMID: 20693550). This variant is present in population databases (rs369153479, gnomAD 0.003%). This variant has not been reported in the literature in individuals affected with SUCLG1-related conditions. ClinVar contains an entry for this variant (Variation ID: 1012244). For these reasons, this variant has been classified as Pathogenic.

Literature cited by the submitters: PubMed 20693550.